The following is an entry in ClinVar:

ClinVar aggregate classification (germline): Pathogenic/Likely pathogenic. Review status: criteria provided, multiple submitters, no conflicts (2 of 4 stars). 3 submissions from 3 submitters: Pathogenic (2); Likely pathogenic (1). Last evaluated 2026-04-28.

Conditions:
Usher syndrome type 1 (USH1). Also called: RETINITIS PIGMENTOSA AND CONGENITAL DEAFNESS. Identifiers: Orphanet 231169, Orphanet 886, MedGen C1568247, MONDO:0010168, OMIM 276900.

Allele frequency attached by ClinVar (database versions not stated): TOPMed below 0.00001.
gnomAD v4.1: 23 of 1,611,128 alleles (0.0014%); highest among the groups gnomAD compares: South Asian, 0.012%; no homozygotes.

Submissions (3):

Myriad Genetics, Inc.
Classification: Pathogenic for Usher syndrome type 1. Last evaluated: 2026-04-28. Review status: criteria provided, single submitter. Criteria: Myriad Autosomal Dominant, Autosomal Recessive and X-Linked Classification Criteria (2023). Collection method: clinical testing. Allele origin: unknown.
Comment: NM_000260.3(MYO7A):c.4248C>A(Y1416*) is a nonsense variant classified as pathogenic in the context of MYO7A-related disorders. Y1416* has not been observed in cases with relevant disease. Relevant functional assessments of this variant are not available in the literature. Y1416* has been observed in referenced population frequency databases. In summary, NM_000260.3(MYO7A):c.4248C>A(Y1416*) is a nonsense variant in a gene where loss of function is a known mechanism of disease and is predicted to disrupt protein function. Please note: this variant was assessed in the context of healthy population screening.

Revvity Omics, Revvity
Classification: Likely pathogenic. Last evaluated: 2022-03-30. Review status: criteria provided, single submitter. Criteria: ACMG Guidelines, 2015. Collection method: clinical testing. Allele origin: germline.

Labcorp Genetics (formerly Invitae), Labcorp
Classification: Pathogenic. Last evaluated: 2018-09-25. Review status: criteria provided, single submitter. Criteria: Invitae Variant Classification Sherloc (09022015). Collection method: clinical testing. Allele origin: germline.
Comment: For these reasons, this variant has been classified as Pathogenic. Loss-of-function variants in MYO7A are known to be pathogenic (PMID: 8900236). This variant has been observed in an individual affected with a MYO7A-related disease (PMID: 28968992). This variant is present in population databases (rs760292207, ExAC 0.02%). This sequence change creates a premature translational stop signal (p.Tyr1416*) in the MYO7A gene. It is expected to result in an absent or disrupted protein product.

Literature cited by the submitters: PubMed 8900236 (cited by Labcorp Genetics (formerly Invitae), Labcorp); PubMed 28968992 (cited by Labcorp Genetics (formerly Invitae), Labcorp).

NM_000260.4(MYO7A):c.4248C>A (p.Tyr1416Ter)

Gene: MYO7A (myosin VIIA; plus strand). Cytogenetic location: 11q13.5.
Variant type: single nucleotide variant.
Coding change: c.4248C>A on transcript NM_000260.4 (MANE Select); coding-DNA position 4248, C replaced by A.
Protein change: p.Tyr1416Ter; replaces tyrosine 1416 with a stop codon.
Molecular consequence: nonsense.
Genome position (GRCh38, 1-based): chr11:77,194,449, C>A. VCF-style: chr11-77194449-C-A. GRCh37 (hg19) VCF-style: chr11-76905494-C-A.
Other names: c.4248C>A, p.Tyr1416Ter (NM_001127180.2); c.4215C>A, p.Tyr1405Ter (NM_001369365.1); short protein forms Y1416*, Y1405*.
Identifiers: ClinVar variation 643819 (VCV000643819.8), dbSNP rs760292207, ClinGen allele CA6198382.